The following is an entry in ClinVar:

NM_006892.4(DNMT3B):c.2242G>A (p.Ala748Thr)

Gene: DNMT3B (DNA methyltransferase 3 beta; plus strand). Cytogenetic location: 20q11.21.
Variant type: single nucleotide variant.
Coding change: c.2242G>A on transcript NM_006892.4 (MANE Select); coding-DNA position 2242, G replaced by A.
Protein change: p.Ala748Thr; replaces alanine 748 with threonine.
Molecular consequence: missense variant. On other transcripts: intron variant (3).
Genome position (GRCh38, 1-based): chr20:32,805,348, G>A. VCF-style: chr20-32805348-G-A. GRCh37 (hg19) VCF-style: chr20-31393154-G-A.
Other names: c.2182G>A, p.Ala728Thr (NM_175848.2); c.2218G>A, p.Ala740Thr (NM_175850.3); c.2172-2414G>A (NM_175849.2); c.2046-2414G>A (NM_001207055.2); c.1944-2414G>A (NM_001207056.2); short protein forms A740T, A728T, A748T.
Identifiers: ClinVar variation 654603 (VCV000654603.7), dbSNP rs770423841, ClinGen allele CA9810873.

ClinVar aggregate classification (germline): Uncertain significance (1 of 4 stars; one submission).

Conditions:
Centromeric instability of chromosomes 1,9 and 16 and immunodeficiency (ICF1). Also called: Immunodeficiency-centromeric instability-facial anomalies; IMMUNE DEFICIENCY, VARIABLE, WITH CENTROMERIC INSTABILITY OF CHROMOSOMES 1, 9, AND 16; IMMUNODEFICIENCY SYNDROME, VARIABLE; CENTROMERIC INSTABILITY, IMMUNODEFICIENCY SYNDROME. Identifiers: Orphanet 2268, MedGen C0398788, MONDO:0000133.

Allele frequency attached by ClinVar (database versions not stated): gnomAD exomes below 0.00001; ExAC 0.00001.
gnomAD v4.1: 2 of 1,614,170 alleles (0.00012%); highest among the groups gnomAD compares: Admixed American, 0.0017%; no homozygotes.

Submission:

Labcorp Genetics (formerly Invitae), Labcorp
Classification: Uncertain significance for Centromeric instability of chromosomes 1,9 and 16 and immunodeficiency. Last evaluated: 2021-08-28. Review status: criteria provided, single submitter. Criteria: Invitae Variant Classification Sherloc (09022015). Collection method: clinical testing. Allele origin: germline.
Comment: This sequence change replaces alanine with threonine at codon 748 of the DNMT3B protein (p.Ala748Thr). The alanine residue is highly conserved and there is a small physicochemical difference between alanine and threonine. This variant is present in population databases (rs770423841, ExAC 0.009%). This variant has not been reported in the literature in individuals affected with DNMT3B-related conditions. Algorithms developed to predict the effect of missense changes on protein structure and function are either unavailable or do not agree on the potential impact of this missense change (SIFT: "Deleterious"; PolyPhen-2: "Probably Damaging"; Align-GVGD: "Class C0"). In summary, the available evidence is currently insufficient to determine the role of this variant in disease. Therefore, it has been classified as a Variant of Uncertain Significance.